The following is an entry in ClinVar:

ClinVar aggregate classification (germline): Uncertain significance. Review status: reviewed by expert panel (3 of 4 stars). 4 submissions from 4 submitters: Uncertain significance (1). 3 of the submissions do not count toward it. Last evaluated 2026-05-19.

Conditions:
Syndromic Monogenic Diabetes.
PIK3R1-related immunodeficiency and SHORT syndrome. Identifiers: MedGen CN379774, MONDO:1060136.
SHORT syndrome. Also called: PIK3R1-Related SHORT Syndrome; SHORT STATURE, HYPEREXTENSIBILITY, HERNIA, OCULAR DEPRESSION, RIEGER ANOMALY, AND TEETHING DELAY; LIPODYSTROPHY, PARTIAL, WITH RIEGER ANOMALY AND SHORT STATURE. Identifiers: Orphanet 3163, MedGen C0878684, MONDO:0010026, OMIM 269880.

Submissions (4):

ClinGen Primary Immune Regulatory Disorders Variant Curation Expert Panel, ClinGen
Classification: Uncertain significance for PIK3R1-related immunodeficiency and SHORT syndrome. Last evaluated: 2026-05-19. Review status: reviewed by expert panel. Criteria: ClinGen AbDef ACMG Specifications PIK3R1 V1.0.0. Collection method: curation. Allele origin: germline. Inheritance: Autosomal dominant inheritance.
Comment: NM_181523.3(PIK3R1):c.1465G>A (p.Glu489Lys) is a missense variant encoding the replacement of glutamic acid with lysine at amino acid 489. This variant is absent from gnomAD v4.1.0 (PM2_Supporting). This variant has been reported in at least 1 proband with a phenotype that included diagnosis of SHORT syndrome, failure to thrive and delayed skeletal maturation (2 pts), hyperinsulinemia and insulin resistance (1 pt), dysmorphic features including triangular face, micrognathia, prominent forehead, deeply set eyes, thin and hypoplastic alae nasi, a small chin, mild midfacial hypoplasia, large and low-set ears, (2 pts), thin and excessively wrinkled skin with readily visible veins, decreased adipose tissue, and lipoatrophy, (1 pt), farsightedness, delayed eruption of teeth (1 pt), delayed speech and language development (1 pt), and serum IgA and IgG near the low boundary of the normal range, with genotyping by whole exome sequencing that did not identify an alternative basis for disease in the PIK3CD gene (8 total points, PMID: 23810378, PS4_Supporting). The patient also showed an abnormally high baseline of AKT phosphorylation at Ser473. The variant was identified as a de novo occurrence with confirmed parental relationships, with the phenotype consistent with gene but not highly specific (8 total points, PMID: 23810378, PS2_Moderate). The computational predictor REVEL gives a score of 0.663, which is above the ClinGen Antibody Deficiencies VCEP threshold of >0.644 and predicts a damaging effect on PIK3R1 function. The computational predictor CADD gives a PHRED score of 32.0, which is above the ClinGen Antibody Deficiencies VCEP threshold of >26.0 and predicts a deleterious effect on PIK3R1 function. The two predictors agree on a damaging effect (PP3). The computational splicing predictor SpliceAI gives a score of 0.00 for all splicing types, which is lower than the ClinGen Antibody Deficiencies VCEP PP3 threshold of >0.5 and predicts that the variant does not disrupt PIK3R1 splicing. Purified recombinant PI3K complexes of wild-type or mutant PIK3R1 with PIK3CA or PIK3CB showed that the p.Glu489Lys variant has no effect on basal lipid kinase activity but mildly impairs bisphosphotyrosine (pY2)-stimulated lipid kinase activity, indicating that the variant disrupts protein function (PMID: 39835783). Additionally, a molecular dynamics simulation indicates that the p.Glu489Lys variant significantly destabilizes / diminishes the strength of interaction between the iSH2 domain of PIK3R1 and PIK3CA, which is expected to decrease activity (PMID: 38541623). However, neither is an approved functional assay relevant to PIK3R1 immunodeficiency with SHORT syndrome, and the evidence of decreased PIK3CA / PIK3CB kinase activity is not compatible with the increased PIK3CD activity associated with PIK3R1 immunodeficiency with SHORT syndrome. In summary, this variant meets the criteria to be classified as a variant of uncertain significance for PIK3R1 immunodeficiency with SHORT syndrome based on the ACMG/AMP criteria applied, as specified by the ClinGen Antibody Deficiencies VCEP: PM2_Supporting, PS4_Supporting, PS2_Moderate, and PP3. (VCEP specifications version 1.0.0; date of approval 04/29/2026).

Genomic Medicine Center of Excellence, King Faisal Specialist Hospital and Research Centre
Classification: Pathogenic for Syndromic Monogenic Diabetes. Last evaluated: 2026-01-01. Review status: criteria provided, single submitter. Criteria: ACMG Guidelines, 2015. Collection method: clinical testing. Allele origin: germline. Affected: yes. Not counted in ClinVar's aggregate classification.

OMIM
Classification: Pathogenic for SHORT SYNDROME. Last evaluated: 2013-07-11. Review status: no assertion criteria provided. Collection method: literature only. Allele origin: germline. Not counted in ClinVar's aggregate classification.

GeneReviews
No classification provided. Condition: SHORT syndrome. Review status: no classification provided. Collection method: literature only. Allele origin: germline. Affected: yes. Not counted in ClinVar's aggregate classification.

Literature cited by the submitters: PubMed 23810378 (cited by OMIM and GeneReviews).

NM_181523.3(PIK3R1):c.1465G>A (p.Glu489Lys)

Gene: PIK3R1 (phosphoinositide-3-kinase regulatory subunit 1; plus strand). Cytogenetic location: 5q13.1.
Variant type: single nucleotide variant.
Coding change: c.1465G>A on transcript NM_181523.3 (MANE Select); coding-DNA position 1465, G replaced by A.
Protein change: p.Glu489Lys; replaces glutamic acid 489 with lysine.
Molecular consequence: missense variant.
Genome position (GRCh38, 1-based): chr5:68,294,575, G>A. VCF-style: chr5-68294575-G-A. GRCh37 (hg19) VCF-style: chr5-67590403-G-A.
Other names: NM_181523.3(PIK3R1):c.1465G>A; c.376G>A, p.Glu126Lys (NM_001242466.2); c.655G>A, p.Glu219Lys (NM_181504.4); c.565G>A, p.Glu189Lys (NM_181524.2); short protein forms E489K, E126K, E189K, E219K.
Identifiers: ClinVar variation 60762 (VCV000060762.5), dbSNP rs397514047, ClinGen allele CA344798.